The following is an entry in ClinVar:

ClinVar aggregate classification (germline): Pathogenic. Review status: criteria provided, single submitter (1 of 4 stars). 2 submissions from 2 submitters: Pathogenic (1). 1 of the submissions does not count toward it. Last evaluated 2021-10-14.

Conditions:
Familial thoracic aortic aneurysm and aortic dissection (TAAD). Also called: Thoracic aortic aneurysms and dissections. Identifiers: Orphanet 91387, MedGen C4707243, MONDO:0019625.
Marfan syndrome (MFS). Also called: Marfan syndrome type 1; Marfan syndrome, classic; Marfan's syndrome; FBN1-Related Marfan Syndrome; MARFAN SYNDROME, TYPE I. Identifiers: Orphanet 284963, Orphanet 558, MedGen C0024796, MONDO:0007947, OMIM 154700.

Submissions (2):

Labcorp Genetics (formerly Invitae), Labcorp
Classification: Pathogenic for Marfan syndrome; Familial thoracic aortic aneurysm and aortic dissection. Last evaluated: 2021-10-14. Review status: criteria provided, single submitter. Criteria: Invitae Variant Classification Sherloc (09022015). Collection method: clinical testing. Allele origin: germline.
Comment: This variant is not present in population databases (ExAC no frequency). This premature translational stop signal has been observed in individual(s) with Marfan syndrome (PMID: 19293843). ClinVar contains an entry for this variant (Variation ID: 549058). For these reasons, this variant has been classified as Pathogenic. This sequence change creates a premature translational stop signal (p.Met657Alafs*23) in the FBN1 gene. It is expected to result in an absent or disrupted protein product. Loss-of-function variants in FBN1 are known to be pathogenic (PMID: 17657824, 19293843).

Center for Medical Genetics Ghent, University of Ghent
Classification: Likely pathogenic for Marfan syndrome. Last evaluated: 2017-11-07. Review status: no assertion criteria provided. Collection method: clinical testing. Allele origin: germline. Affected: yes. Not counted in ClinVar's aggregate classification.

Literature cited by the submitters: PubMed 19293843 (cited by Labcorp Genetics (formerly Invitae), Labcorp); PubMed 17657824 (cited by Labcorp Genetics (formerly Invitae), Labcorp).

NM_000138.5(FBN1):c.1968_1969del (p.Met657fs)

Gene: FBN1 (fibrillin 1; minus strand). Cytogenetic location: 15q21.1.
Variant type: Microsatellite.
Coding change: c.1968_1969del on transcript NM_000138.5 (MANE Select); coding-DNA positions 1968 to 1969, 2 bases deleted (CA; older notation c.1968_1969delCA).
Protein change: p.Met657fs; shifts the reading frame from methionine 657.
Molecular consequence: frameshift variant.
Genome position (GRCh38, 1-based): chr15:48,503,931-48,503,932, TG deleted on the plus strand (CA on the coding strand, the reverse complement: FBN1 is on the minus strand); deleting any 2 consecutive bases within chr15:48,503,931-48,503,939 gives the same sequence; the c. name uses the placement nearest the transcript's 3' end. VCF-style (leftmost placement, unchanged base first): chr15-48503930-ATG-A. GRCh37 (hg19) VCF-style: chr15-48796127-ATG-A.
Other names: c.1968_1969delCA (NM_000138.4); short protein forms M657fs.
Identifiers: ClinVar variation 549058 (VCV000549058.6), dbSNP rs1555399775, ClinGen allele CA658824472.